The following is an entry in ClinVar:

ClinVar aggregate classification (germline): Pathogenic. Review status: criteria provided, multiple submitters, no conflicts (2 of 4 stars). 14 submissions from 14 submitters: Pathogenic (12). 2 of the submissions do not count toward it. Last evaluated 2026-03-03.

Conditions:
Autosomal recessive congenital ichthyosis 1 (LI1). Also called: ICHTHYOSIS, CONGENITAL, AUTOSOMAL RECESSIVE 1, WITH BATHING SUIT DISTRIBUTION; ICHTHYOSIS, CONGENITAL, AUTOSOMAL RECESSIVE 1, WITH OR WITHOUT BATHING SUIT DISTRIBUTION; COLLODION FETUS; DESQUAMATION OF NEWBORN; ICHTHYOSIS CONGENITA; ICHTHYOSIS CONGENITA II. Identifiers: MedGen C4551630, MONDO:0009441, OMIM 242300.
TGM1-related disorder. Also called: TGM1-related condition.
Lamellar ichthyosis. Identifiers: Orphanet 313, MedGen C5848247, MONDO:0017778.

Allele frequency attached by ClinVar (database versions not stated): TOPMed 0.00015; gnomAD 0.00029.
gnomAD v4.1: 380 of 1,612,976 alleles (0.024%); highest among the groups gnomAD compares: Non-Finnish European, 0.027%; no homozygotes.

Submissions (14):

Dasa
Classification: Pathogenic. Last evaluated: 2026-03-03. Review status: criteria provided, single submitter. Criteria: DASA Assertion Criteria. Collection method: clinical testing. Allele origin: germline.
Comment: NM_000359.3(TGM1):c.919C>G (p.Arg307Gly) is a missense variant that results in the substitution of arginine with glycine. The affected residue or protein region has prior evidence supporting clinical relevance. This variant has been observed in affected individuals with related phenotype in a genotype context consistent with recessive disease (PMID: 24419105; PMID: 16968736; PMID: 19863506; PMID: 38588653). This variant has been recurrently observed in individuals with related phenotype (PMID: 24419105; PMID: 16968736; PMID: 19863506; PMID: 38588653). Multiple computational predictions support a deleterious effect on the gene or gene product. The variant is present at low frequency in population datasets. Based on the available data, this variant is classified as pathogenic.

Labcorp Genetics (formerly Invitae), Labcorp
Classification: Pathogenic. Last evaluated: 2026-01-14. Review status: criteria provided, single submitter. Criteria: Invitae Variant Classification Sherloc (09022015). Collection method: clinical testing. Allele origin: germline.
Comment: This sequence change replaces arginine, which is basic and polar, with glycine, which is neutral and non-polar, at codon 307 of the TGM1 protein (p.Arg307Gly). This variant is present in population databases (rs121918731, gnomAD 0.05%). This missense change has been observed in individuals with ichthyosis (PMID: 16968736, 19863506, 26076875, 27025581, 28403434). ClinVar contains an entry for this variant (Variation ID: 372534). Invitae Evidence Modeling of protein sequence and biophysical properties (such as structural, functional, and spatial information, amino acid conservation, physicochemical variation, residue mobility, and thermodynamic stability) has been performed for this missense variant. However, the output from this modeling did not meet the statistical confidence thresholds required to predict the impact of this variant on TGM1 protein function. Experimental studies have shown that this missense change affects TGM1 function (PMID: 19212342). This variant disrupts the p.Arg307 amino acid residue in TGM1. Other variant(s) that disrupt this residue have been determined to be pathogenic (PMID: 11407995, 11511296, 19262603, 20167857, 21895619, 24419105). This suggests that this residue is clinically significant, and that variants that disrupt this residue are likely to be disease-causing. For these reasons, this variant has been classified as Pathogenic.

Natera, Inc.
Classification: Pathogenic for Autosomal recessive congenital ichthyosis type 1. Last evaluated: 2025-08-31. Review status: criteria provided, single submitter. Criteria: Natera Variant Classification Schema (03/2026). Collection method: clinical testing. Allele origin: germline.
Comment: The c.919C>G variant in TGM1 is a missense variant predicted to cause substitution of arginine to glycine at amino acid 307. This variant is rare in the general population with a frequency below the threshold expected for the associated phenotype(s). This variant has been observed in one or more individuals affected with the associated recessive disease, as either homozygous or compound heterozygous with a second variant (PMID: 26762237, 19890349). Computational prediction algorithms indicate this variant is likely to affect gene or protein function. Given the available evidence, this variant is classified as Pathogenic.

PreventionGenetics, part of Exact Sciences
Classification: Pathogenic for TGM1-related condition. Last evaluated: 2025-07-31. Review status: criteria provided, single submitter. Criteria: ACMG Guidelines, 2015. Collection method: clinical testing. Allele origin: germline.
Comment: The TGM1 c.919C>G variant is predicted to result in the amino acid substitution p.Arg307Gly. This variant has been reported in the homozygous or compound heterozygous states in many individuals with congenital ichthyosis (see for examples, Oji et al. 2006. PubMed ID: 16968736; Bourrat et al. 2012. PubMed ID: 22801880; Diociaiuti et al. 2016. PubMed ID: 26762237). This variant is reported in 0.029% of alleles in individuals of European (Finnish) descent in gnomAD. An in vitro experimental study suggests this variant reduces transglutaminase activity (Aufenvenne et al. 2009. PubMed ID: 19212342). In summary, the c.919C>G (p.Arg307Gly) variant is interpreted as pathogenic.

Blueprint Genetics
Classification: Pathogenic for TGM1-related disorders. Last evaluated: 2024-05-29. Review status: criteria provided, single submitter. Criteria: ACMG Guidelines, 2015. Collection method: clinical testing. Allele origin: germline. Affected: yes. Observed: 5 variant alleles.

Women's Health and Genetics/Laboratory Corporation of America, LabCorp
Classification: Pathogenic for Lamellar ichthyosis. Last evaluated: 2024-01-12. Review status: criteria provided, single submitter. Criteria: LabCorp Variant Classification Summary - May 2015. Collection method: clinical testing. Allele origin: germline.
Comment: Variant summary: TGM1 c.919C>G (p.Arg307Gly) results in a non-conservative amino acid change in the encoded protein sequence. Another missense variant affecting this residue (p.Arg307Trp) has been classified as pathogenic. Five of five in-silico tools predict a damaging effect of the variant on protein function. The variant allele was found at a frequency of 0.00015 in 248966 control chromosomes (gnomAD). This frequency is not significantly higher than estimated for a pathogenic variant in TGM1 causing Lamellar Ichthyosis (0.00015 vs 0.0021), allowing no conclusion about variant significance. c.919C>G has been reported in the literature in multiple individuals affected with Congenital Ichthyosis (Bourrat_2012, Diociaiuti_2016), and some were compound heterozygous with other pathogenic variants. These data indicate that the variant is very likely to be associated with disease. The following publications have been ascertained in the context of this evaluation (PMID: 22801880, 26762237). ClinVar contains an entry for this variant (Variation ID: 372534). Based on the evidence outlined above, the variant was classified as pathogenic.

GeneDx
Classification: Pathogenic. Last evaluated: 2022-10-29. Review status: criteria provided, single submitter. Criteria: GeneDx Variant Classification Process June 2021. Collection method: clinical testing. Allele origin: germline. Affected: yes.
Comment: Published functional studies demonstrate this variant is associated with decreased activity of transglutaminase 1 (Oji et al., 2006; Aufenvenne et al., 2009); This variant is associated with the following publications: (PMID: 34908195, 16968736, 23278109, 19890349, 28488422, 27025581, 26076875, 19863506, 30693114, 30609409, 31980526, 34426522, 31589614, 19212342, 31168818)

CeGaT Center for Human Genetics Tuebingen
Classification: Pathogenic. Last evaluated: 2022-07-01. Review status: criteria provided, single submitter. Criteria: CeGaT Center For Human Genetics Tuebingen Variant Classification Criteria Version 2. Collection method: clinical testing. Allele origin: germline. Affected: yes. Observed: 2 variant alleles.
Comment: TGM1: PM3:Very Strong, PM1, PM5, PM2:Supporting, PP1, PP4, PS3:Supporting

Myriad Genetics, Inc.
Classification: Pathogenic for Autosomal recessive congenital ichthyosis 1. Last evaluated: 2020-01-03. Review status: criteria provided, single submitter. Criteria: Myriad Women's Health Autosomal Recessive and X-Linked Classification Criteria (2019). Collection method: clinical testing. Allele origin: unknown.
Comment: NM_000359.2(TGM1):c.919C>G(R307G) is classified as pathogenic in the context of TGM1-related autosomal recessive congenital ichthyosis. Sources cited for classification include the following: PMID: 22801880, 16968736, 19212342, 19890349 and 26762237. Classification of NM_000359.2(TGM1):c.919C>G(R307G) is based on the following criteria: This is a well-established pathogenic variant in the literature that has been observed more frequently in patients with clinical diagnoses than in healthy populations. Please note: this variant was assessed in the context of healthy population screening.

Fulgent Genetics
Classification: Pathogenic for Autosomal recessive congenital ichthyosis 1. Last evaluated: 2018-10-31. Review status: criteria provided, single submitter. Criteria: ACMG Guidelines, 2015. Collection method: clinical testing. Allele origin: unknown.

Laboratory for Molecular Medicine, Mass General Brigham Personalized Medicine
Classification: Pathogenic for Lamellar ichthyosis. Last evaluated: 2017-04-14. Review status: criteria provided, single submitter. Criteria: LMM Criteria. Collection method: clinical testing. Allele origin: germline. Inheritance: Autosomal recessive inheritance. Observed: 1 variant allele.
Comment: The p.Arg307Gly (NM_000359.2 c.919C>G) variant in TGM1 has been reported in 6 co mpound heterozygous and 1 homozygous individuals with lamellar icthyosis related conditions (self-healing collodion baby and bathing suit ichthyosis) (Oji 2006, Valquist 2010, Hackett 2010, and Pigg 2016), and segregated in 1 sibling in 1 f amily (Hackett 2010). This variant has been reported in ClinVar (Variation ID#37 2534) as pathogenic by 1 laboratory. This variant has been identified in 0.023% (14/60410) of European chromosomes by the Exome Aggregation Consortium (ExAC; dbSNP rs121918731). Although this variant has been seen in the general population, its frequency is low enough to be consistent wi th a recessive carrier frequency. In vitro functional studies provide some evide nce that the p.Arg307Gly variant may impact protein function (Aufenvenne 2009). In summary, this variant meets criteria to be classified as pathogenic for Lamel lar ichthyosis related conditions in an autosomal recessive manner based upon it s occurrence in individuals with this disease and functional evidence.

Genome-Nilou Lab
Classification: Pathogenic for Autosomal recessive congenital ichthyosis 1. Review status: criteria provided, single submitter. Criteria: ACMG Guidelines, 2015. Collection method: clinical testing. Allele origin: germline.

Genome Diagnostics Laboratory, University Medical Center Utrecht
Classification: Pathogenic. Review status: no assertion criteria provided. Collection method: clinical testing. Allele origin: germline. Affected: yes. Study: VKGL Data-share Consensus. Not counted in ClinVar's aggregate classification.

Joint Genome Diagnostic Labs from Nijmegen and Maastricht, Radboudumc and MUMC+
Classification: Pathogenic. Review status: no assertion criteria provided. Collection method: clinical testing. Allele origin: germline. Affected: yes. Study: VKGL Data-share Consensus. Not counted in ClinVar's aggregate classification.

Literature cited by the submitters: PubMed 24419105 (cited by Dasa and Labcorp Genetics (formerly Invitae), Labcorp); PubMed 16968736 (cited by 4 submitters); PubMed 19863506 (cited by 3 submitters); PubMed 38588653 (cited by Dasa); PubMed 26076875 (cited by Labcorp Genetics (formerly Invitae), Labcorp); PubMed 27025581 (cited by Labcorp Genetics (formerly Invitae), Labcorp and Laboratory for Molecular Medicine, Mass General Brigham Personalized Medicine); PubMed 28403434 (cited by Labcorp Genetics (formerly Invitae), Labcorp); PubMed 19212342 (cited by 3 submitters); PubMed 11407995 (cited by Labcorp Genetics (formerly Invitae), Labcorp); PubMed 11511296 (cited by Labcorp Genetics (formerly Invitae), Labcorp); PubMed 19262603 (cited by Labcorp Genetics (formerly Invitae), Labcorp); PubMed 20167857 (cited by Labcorp Genetics (formerly Invitae), Labcorp); PubMed 21895619 (cited by Labcorp Genetics (formerly Invitae), Labcorp); PubMed 26762237 (cited by 3 submitters); PubMed 19890349 (cited by 3 submitters); PubMed 22801880 (cited by Women's Health and Genetics/Laboratory Corporation of America, LabCorp and Myriad Genetics, Inc.).

NM_000359.3(TGM1):c.919C>G (p.Arg307Gly)

Gene: TGM1 (transglutaminase 1; minus strand). Cytogenetic location: 14q12.
Variant type: single nucleotide variant.
Coding change: c.919C>G on transcript NM_000359.3 (MANE Select); coding-DNA position 919, C replaced by G.
Protein change: p.Arg307Gly; replaces arginine 307 with glycine.
Molecular consequence: missense variant.
Genome position (GRCh38, 1-based): chr14:24,259,769, G>C on the plus strand (C>G on the coding strand, the complement: TGM1 is on the minus strand). VCF-style: chr14-24259769-G-C. GRCh37 (hg19) VCF-style: chr14-24728975-G-C.
Other names: short protein forms R307G.
Identifiers: ClinVar variation 372534 (VCV000372534.63), dbSNP rs121918731, ClinGen allele CA7131235.
Genomic context (GRCh38, chr14:24,259,769, plus strand): 5'-CAGAGATGACCCGGGAGACATTGACTGGGTCTCCACGGCCTCCATATGGCATCCCCCGCC[G>C]GTCCAGGATGTATAAGCAGGCATCCAGCACCCCGTGGTCAAACTGGAAGGAGGGATGGAG-3'
Protein context (NP_000350.1, residues 297-317): VLDACLYILD[Arg307Gly]RGMPYGGRGD